The following is an entry in ClinVar:

NM_178857.6(RP1L1):c.6939C>G (p.Asp2313Glu)

Gene: RP1L1 (RP1 like 1). Cytogenetic location: 8p23.1.
Variant type: single nucleotide variant.
Coding change: c.6939C>G on transcript NM_178857.6 (MANE Select); coding-DNA position 6939, C replaced by G.
Protein change: p.Asp2313Glu; replaces aspartic acid 2313 with glutamic acid.
Molecular consequence: missense variant.
Genome position (GRCh38, 1-based): chr8:10,607,159, G>C on the plus strand (C>G on the coding strand, the complement: RP1L1 is on the minus strand). VCF-style: chr8-10607159-G-C. GRCh37 (hg19) VCF-style: chr8-10464669-G-C.
Other names: short protein forms D2313E.
Identifiers: ClinVar variation 4086529 (VCV004086529.1).
Genomic context (GRCh38, chr8:10,607,159, plus strand): 5'-GGTCCCCGTGGACTTGGCATCAGGGCTCCTTGTGTCTCCAAGTACATGGTCATTTTCTGA[G>C]TCTTTCTGCCAGCAGTTGCCCCAAGAGGATGCTCTGGAGGAGGAAGGGCCTGTTTGGGAG-3'
Protein context (NP_849188.4, residues 2303-2323): ASSWGNCWQK[Asp2313Glu]SENDHVLGDT

ClinVar aggregate classification (germline): Uncertain significance (1 of 4 stars; one submission).

gnomAD v4.1: 1 of 1,614,218 alleles (0.000062%); highest among the groups gnomAD compares: Non-Finnish European, 0.000085%; no homozygotes.

Submission:

GeneDx
Classification: Uncertain significance. Last evaluated: 2025-03-17. Review status: criteria provided, single submitter. Criteria: GeneDx Variant Classification Process June 2021. Collection method: clinical testing. Allele origin: germline. Affected: yes.
Comment: In silico analysis indicates that this missense variant does not alter protein structure/function; Has not been previously published as pathogenic or benign to our knowledge